The following is an entry in ClinVar:

NM_001127222.2(CACNA1A):c.7084G>A (p.Gly2362Ser)

Gene: CACNA1A (calcium voltage-gated channel subunit alpha1 A; minus strand). Cytogenetic location: 19p13.13.
Variant type: single nucleotide variant.
Coding change: c.7084G>A on transcript NM_001127222.2 (MANE Select); coding-DNA position 7084, G replaced by A.
Protein change: p.Gly2362Ser; replaces glycine 2362 with serine.
Molecular consequence: missense variant. On other transcripts: 3 prime UTR variant (3).
Genome position (GRCh38, 1-based): chr19:13,207,750, C>T on the plus strand (G>A on the coding strand, the complement: CACNA1A is on the minus strand). VCF-style: chr19-13207750-C-T. GRCh37 (hg19) VCF-style: chr19-13318564-C-T.
Other names: c.*296G>A (NM_000068.4, NM_001127221.2, NM_001174080.2); c.7102G>A, p.Gly2368Ser (NM_023035.3); short protein forms G2362S, G2368S.
Identifiers: ClinVar variation 4281035 (VCV004281035.9).

ClinVar aggregate classification (germline): Conflicting classifications of pathogenicity. Review status: criteria provided, conflicting classifications (1 of 4 stars). 3 submissions from 3 submitters: Uncertain significance (1); Likely benign (1). 1 of the submissions does not count toward it. Last evaluated 2025-09-01.

Conditions:
Migraine, familial hemiplegic, 1. Also called: MIGRAINE, FAMILIAL HEMIPLEGIC 1, WITH PROGRESSIVE CEREBELLAR ATAXIA. Identifiers: Orphanet 569, MedGen C1832884, MONDO:0020756, OMIM 141500, MONDO:0007714.

gnomAD v4.1: 31 of 1,372,264 alleles (0.0023%); highest among the groups gnomAD compares: Non-Finnish European, 0.0029%; no homozygotes.

Submissions (3):

CeGaT Center for Human Genetics Tuebingen
Classification: Uncertain significance. Last evaluated: 2025-09-01. Review status: criteria provided, single submitter. Criteria: CeGaT Center For Human Genetics Tuebingen Variant Classification Criteria Version 2. Collection method: clinical testing. Allele origin: germline. Affected: yes. Observed: 1 variant allele.
Comment: CACNA1A: PP3

Blueprint Genetics
Classification: Likely benign. Last evaluated: 2023-11-30. Review status: criteria provided, single submitter. Criteria: ACMG Guidelines, 2015. Collection method: clinical testing. Allele origin: germline.

Hong-Tao Li Lab, Institute of Brain Science and Brain-inspired Research, Shandong First Medical University & Shandong Academy of Medical Sciences China
Classification: Pathogenic for Migraine, familial hemiplegic, 1. Review status: no assertion criteria provided. Collection method: research. Allele origin: germline. Inheritance: Autosomal dominant inheritance. Affected: yes. Observed: 1 variant allele, 1 heterozygote. Not counted in ClinVar's aggregate classification.
Comment: Observed in affected individuals from a Pakistani neurodevelopmental-disorder research cohort of 263 individuals. Classification assigned using the ACMG/AMP framework.